The following is an entry in ClinVar:

ClinVar aggregate classification (germline): Benign/Likely benign. Review status: criteria provided, multiple submitters, no conflicts (2 of 4 stars). 18 submissions from 17 submitters: Benign (10); Likely benign (3). 5 of the submissions do not count toward it. Last evaluated 2026-02-04.

Conditions:
Walker-Warburg congenital muscular dystrophy. Also called: Muscular dystrophy-dystroglycanopathy, type A; Walker-Warburg syndrome. Identifiers: Orphanet 899, MedGen C0265221, MONDO:0000171.
Cardiovascular phenotype. Identifiers: MedGen CN230736.
Muscular dystrophy-dystroglycanopathy (congenital with brain and eye anomalies), type A, 4 (MDDGA4). Also called: Walker-Warburg Syndrome, Fktn-Related; Fukuyama congenital muscular dystrophy; Muscular dystrophy, congenital progressive, with mental retardation; Muscular dystrophy, congenital, with central nervous system involvement; Cerebromuscular dystrophy, Fukuyama type; Congenital muscular dystrophy-dystroglycanopathy with brain and eye anomalies, type A4. Identifiers: Orphanet 272, Orphanet 588, Orphanet 899, MedGen C0410174, MONDO:0009678, OMIM 253800.
Dilated cardiomyopathy 1X (CMD1X). Also called: FKTN-Related Dilated Cardiomyopathy; CARDIOMYOPATHY, DILATED, WITH MILD OR NO PROXIMAL MUSCLE WEAKNESS. Identifiers: Orphanet 154, MedGen C1969024, MONDO:0012704, OMIM 611615.

Allele frequency attached by ClinVar (database versions not stated): 1000 Genomes Project 0.17831; 1000 Genomes Project 30x 0.18051; ExAC 0.25185; gnomAD exomes 0.25315; TOPMed 0.26939; gnomAD 0.27053 and 0.27837; ESP Exome Variant Server 0.29088.
gnomAD v4.1: 462,257 of 1,606,314 alleles (29%); highest among the groups gnomAD compares: Non-Finnish European, 31%; 70,565 homozygotes.

Submissions (18):

Labcorp Genetics (formerly Invitae), Labcorp
Classification: Benign for Walker-Warburg congenital muscular dystrophy. Last evaluated: 2026-02-04. Review status: criteria provided, single submitter. Criteria: Invitae Variant Classification Sherloc (09022015). Collection method: clinical testing. Allele origin: germline.

Molecular Diagnostic Laboratory for Inherited Cardiovascular Disease, Montreal Heart Institute
Classification: Benign. Last evaluated: 2025-04-09. Review status: criteria provided, single submitter. Criteria: ACMG Guidelines, 2015. Collection method: clinical testing. Allele origin: germline. Affected: no.

Blueprint Genetics
Classification: Benign. Last evaluated: 2024-11-27. Review status: criteria provided, single submitter. Criteria: ACMG Guidelines, 2015. Collection method: clinical testing. Allele origin: germline.

Mayo Clinic Laboratories, Mayo Clinic
Classification: Benign. Last evaluated: 2022-04-26. Review status: criteria provided, single submitter. Criteria: ACMG Guidelines, 2015. Collection method: clinical testing. Allele origin: germline. Observed: 1,140 variant alleles.

Athena Diagnostics
Classification: Benign. Last evaluated: 2017-05-16. Review status: criteria provided, single submitter. Criteria: Athena Diagnostics Criteria. Collection method: clinical testing. Allele origin: unknown.

Illumina Laboratory Services, Illumina
Classification: Likely benign for Dilated cardiomyopathy 1X. Last evaluated: 2017-04-27. Review status: criteria provided, single submitter. Criteria: ICSL Variant Classification Criteria 13 December 2019. Collection method: clinical testing. Allele origin: germline.
Comment: This variant was observed as part of a predisposition screen in an ostensibly healthy population. A literature search was performed for the gene, cDNA change, and amino acid change (where applicable). Publications were found based on this search. The evidence from the literature, in combination with allele frequency data from public databases where available, was sufficient to determine this variant is unlikely to cause disease. Therefore, this variant is classified as likely benign.

Illumina Laboratory Services, Illumina
Classification: Likely benign for Muscular dystrophy-dystroglycanopathy (congenital with brain and eye anomalies), type A, 4. Last evaluated: 2017-04-27. Review status: criteria provided, single submitter. Criteria: ICSL Variant Classification Criteria 13 December 2019. Collection method: clinical testing. Allele origin: germline.
Comment: the same text as in the submission from Illumina Laboratory Services, Illumina above.

Eurofins Ntd Llc (ga)
Classification: Benign. Last evaluated: 2015-05-26. Review status: criteria provided, single submitter. Criteria: EGL Classification Definitions 2015. Collection method: clinical testing. Allele origin: germline. Observed: 41 variant alleles, 33 heterozygotes, 8 homozygotes.

Ambry Genetics
Classification: Benign for Cardiovascular phenotype. Last evaluated: 2015-03-11. Review status: criteria provided, single submitter. Criteria: Ambry Variant Classification Scheme 2023. Collection method: clinical testing. Allele origin: germline.

GeneDx
Classification: Benign. Last evaluated: 2015-03-03. Review status: criteria provided, single submitter. Criteria: GeneDx Variant Classification Process June 2021. Collection method: clinical testing. Allele origin: germline. Affected: yes.

Laboratory for Molecular Medicine, Mass General Brigham Personalized Medicine
Classification: Benign. Last evaluated: 2015-01-13. Review status: criteria provided, single submitter. Criteria: LMM Criteria. Collection method: clinical testing. Allele origin: germline. Observed: 9 variant alleles.
Comment: p.Leu342Leu in exon 9 of FKTN: This variant is not expected to have clinical sig nificance because it does not alter an amino acid residue and is not located wit hin the splice consensus sequence. It has been identified in 31.8% (2731/8596) o f European American chromosomes from a broad population by the NHLBI Exome Seque ncing Project (dbSNP rs17309806).

Breakthrough Genomics
Classification: Likely benign. Review status: criteria provided, single submitter. Criteria: ACMG Guidelines, 2015. Collection method: not provided. Allele origin: germline. Inheritance: Autosomal recessive inheritance. Affected: yes.

PreventionGenetics, part of Exact Sciences
Classification: Benign. Review status: criteria provided, single submitter. Criteria: ACMG Guidelines, 2015. Collection method: clinical testing. Allele origin: germline.

Clinical Genetics DNA and cytogenetics Diagnostics Lab, Erasmus MC, Erasmus Medical Center
Classification: Benign. Review status: no assertion criteria provided. Collection method: clinical testing. Allele origin: germline. Affected: yes. Study: VKGL Data-share Consensus. Not counted in ClinVar's aggregate classification.

Clinical Genetics, Academic Medical Center
Classification: Benign. Review status: no assertion criteria provided. Collection method: clinical testing. Allele origin: germline. Affected: yes. Study: VKGL Data-share Consensus. Not counted in ClinVar's aggregate classification.

Diagnostic Laboratory, Department of Genetics, University Medical Center Groningen
Classification: Benign. Review status: no assertion criteria provided. Collection method: clinical testing. Allele origin: germline. Affected: yes. Study: VKGL Data-share Consensus. Not counted in ClinVar's aggregate classification.

Genetic Services Laboratory, University of Chicago
Classification: Likely benign for AllHighlyPenetrant. Review status: no assertion criteria provided. Collection method: clinical testing. Allele origin: germline. Inheritance: Autosomal recessive inheritance. Not counted in ClinVar's aggregate classification.
Comment: Likely benign based on allele frequency in 1000 Genomes Project or ESP global frequency and its presence in a patient with a rare or unrelated disease phenotype. NOT Sanger confirmed.

Joint Genome Diagnostic Labs from Nijmegen and Maastricht, Radboudumc and MUMC+
Classification: Benign. Review status: no assertion criteria provided. Collection method: clinical testing. Allele origin: germline. Affected: yes. Study: VKGL Data-share Consensus. Not counted in ClinVar's aggregate classification.

Literature cited by the submitters: PubMed 19015585 (cited by Illumina Laboratory Services, Illumina); PubMed 23582336 (cited by Illumina Laboratory Services, Illumina).

NM_001079802.2(FKTN):c.1026C>A (p.Leu342=)

Gene: FKTN (fukutin; plus strand). Cytogenetic location: 9q31.2.
Variant type: single nucleotide variant.
Coding change: c.1026C>A on transcript NM_001079802.2 (MANE Select); coding-DNA position 1026, C replaced by A.
Protein change: p.Leu342=; no amino-acid change (leucine 342 retained).
Molecular consequence: synonymous variant. On other transcripts: non-coding transcript variant (1).
Genome position (GRCh38, 1-based): chr9:105,618,074, C>A. VCF-style: chr9-105618074-C-A. GRCh37 (hg19) VCF-style: chr9-108380355-C-A.
Other names: p.Leu342=; c.1026C>A, p.Leu342= (NM_001198963.2, NM_001351496.2, NM_001351498.2 and 1 more transcripts); c.957C>A, p.Leu319= (NM_001351497.2); c.630C>A, p.Leu210= (NM_001351499.2, NM_001351500.2, NM_001351501.2 and 1 more transcripts).
Identifiers: ClinVar variation 93510 (VCV000093510.42), dbSNP rs17309806, ClinGen allele CA147017.
Genomic context (GRCh38, chr9:105,618,074, plus strand): 5'-TTTTATACAAGATTACAAATCTGATATTATTTTAGCATTTCAGGATGCAGGACTTCCGCT[C>A]AAACACAAATTTGGGAAGGTCAGTAACAAAAGTCGGCTTCATTTCATAAGTAACATATCT-3'
Protein context (NP_001073270.1, residues 332-352): ILAFQDAGLP[Leu342=]KHKFGKVEDS